The following is an entry in ClinVar:

ClinVar aggregate classification (germline): Pathogenic. Review status: reviewed by expert panel (3 of 4 stars). 2 submissions from 2 submitters: Pathogenic (1). 1 of the submissions does not count toward it. Last evaluated 2016-10-18.

Conditions:
Breast-ovarian cancer, familial, susceptibility to, 1 (BROVCA1). Also called: BRCA1 Hereditary Breast and Ovarian Cancer; OVARIAN CANCER, SUSCEPTIBILITY TO. Identifiers: Orphanet 145, MedGen C2676676, MONDO:0011450, OMIM 604370. Disease mechanism: loss of function.

Submissions (2):

Evidence-based Network for the Interpretation of Germline Mutant Alleles (ENIGMA)
Classification: Pathogenic for Breast-ovarian cancer, familial, susceptibility to, 1. Last evaluated: 2016-10-18. Review status: reviewed by expert panel. Criteria: ENIGMA BRCA1/2 Classification Criteria (2015). Collection method: curation. Allele origin: germline.
Comment: Variant allele predicted to encode a truncated non-functional protein.

Consortium of Investigators of Modifiers of BRCA1/2 (CIMBA), c/o University of Cambridge
Classification: Pathogenic for Breast-ovarian cancer, familial, susceptibility to, 1. Last evaluated: 2015-10-02. Review status: criteria provided, single submitter. Criteria: CIMBA Mutation Classification guidelines May 2016. Collection method: clinical testing. Allele origin: germline. Not counted in ClinVar's aggregate classification.

NM_007294.4(BRCA1):c.5013dup (p.His1672fs)

Gene: BRCA1 (BRCA1 DNA repair associated; minus strand). Cytogenetic location: 17q21.31.
Variant type: Duplication.
Coding change: c.5013dup on transcript NM_007294.4 (MANE Select); coding-DNA position 5013, one base duplicated (A; older notation c.5013dupA).
Protein change: p.His1672fs; shifts the reading frame from histidine 1672.
Molecular consequence: frameshift variant. On other transcripts: non-coding transcript variant (1).
Genome position (GRCh38, 1-based): chr17:43,067,669, T duplicated on the plus strand (A on the coding strand, the reverse complement: BRCA1 is on the minus strand); the first of 4 consecutive T bases (chr17:43,067,669-43,067,672); duplicating any one gives the same sequence. VCF-style (leftmost placement, unchanged base first): chr17-43067668-G-GT. GRCh37 (hg19) VCF-style: chr17-41219685-G-GT.
Other names: 5132_5133insA; c.5013dup, p.His1672fs (NM_007294.3); c.4797dup, p.His1601Thrfs (NM_001407571.1, NM_001407894.1, NM_001407895.1 and 12 more transcripts); c.5076dup, p.His1694Thrfs (NM_001407581.1, NM_001407582.1); c.5073dup, p.His1693Thrfs (NM_001407583.1, NM_001407585.1, NM_001407587.1); c.5070dup, p.His1692Thrfs (NM_001407590.1, NM_001407591.1); c.5010dup, p.His1672Thrfs (NM_001407593.1, NM_001407594.1, NM_001407596.1 and 8 more transcripts); c.5007dup, p.His1671Thrfs (NM_001407610.1, NM_001407611.1, NM_001407612.1 and 17 more transcripts); and 75 more; short protein forms H1672fs, H568fs, H1625fs, H1693fs.
Identifiers: ClinVar variation 266509 (VCV000266509.6), dbSNP rs886040259, ClinGen allele CA10589633.